The following is an entry in ClinVar:

ClinVar aggregate classification (germline): Benign (1 of 4 stars; one submission).

Allele frequency attached by ClinVar (database versions not stated): gnomAD 0.41172 and 0.41611; TOPMed 0.41945; 1000 Genomes Project 0.51877; 1000 Genomes Project 30x 0.52342.
gnomAD v4.1: 61,975 of 149,376 alleles (41%); highest among the groups gnomAD compares: African/African-American, 66%; 14,829 homozygotes.

Submission:

GeneDx
Classification: Benign. Last evaluated: 2018-06-14. Review status: criteria provided, single submitter. Criteria: GeneDx Variant Classification (06012015). Collection method: clinical testing. Allele origin: germline. Affected: yes.
Comment: This variant is considered likely benign or benign based on one or more of the following criteria: it is a conservative change, it occurs at a poorly conserved position in the protein, it is predicted to be benign by multiple in silico algorithms, and/or has population frequency not consistent with disease.

NM_003283.6(TNNT1):c.502-177A>G

Gene: TNNT1 (troponin T1, slow skeletal type; minus strand). Cytogenetic location: 19q13.42.
Variant type: single nucleotide variant.
Coding change: c.502-177A>G on transcript NM_003283.6 (MANE Select); 177 bases into the intron before coding-DNA position 502, A replaced by G.
Molecular consequence: intron variant.
Genome position (GRCh38, 1-based): chr19:55,137,389, T>C on the plus strand (A>G on the coding strand, the complement: TNNT1 is on the minus strand). VCF-style: chr19-55137389-T-C. GRCh37 (hg19) VCF-style: chr19-55648757-T-C.
Other names: c.469-177A>G (NM_001126133.3, NM_001291774.2); c.502-177A>G (NM_001126132.3).
Identifiers: ClinVar variation 670237 (VCV000670237.1), dbSNP rs2562510, ClinGen allele CA14733734.